The following is an entry in ClinVar:

ClinVar aggregate classification (germline): Benign/Likely benign. Review status: criteria provided, multiple submitters, no conflicts (2 of 4 stars). 5 submissions from 5 submitters: Benign (1); Likely benign (4). Last evaluated 2024-06-06.

Conditions:
Hereditary cancer-predisposing syndrome. Also called: Neoplastic Syndromes, Hereditary; Hereditary Cancer Syndrome; Tumor predisposition; Hereditary neoplastic syndrome. Identifiers: Orphanet 140162, MedGen C0027672, MeSH D009386, MONDO:0015356.
Ataxia-telangiectasia syndrome (AT). Also called: LOUIS-BAR SYNDROME; Cerebello-oculocutaneous telangiectasia; Immunodeficiency with ataxia telangiectasia; Ataxia-telangiectasia, complementation group D; AT, COMPLEMENTATION GROUP C; Ataxia-telangiectasia, complementation group E. Identifiers: Orphanet 100, MedGen C0004135, MONDO:0008840, OMIM 208900.
Familial cancer of breast. Also called: Hereditary breast cancer; BREAST CANCER, FAMILIAL; hereditary breast carcinoma. Identifiers: Orphanet 227535, MedGen C0346153, MONDO:0016419, OMIM 114480. Disease mechanism: loss of function.

Allele frequency attached by ClinVar (database versions not stated): TOPMed below 0.00001.

Submissions (5):

Myriad Genetics, Inc.
Classification: Benign for Familial cancer of breast. Last evaluated: 2024-06-06. Review status: criteria provided, single submitter. Criteria: Myriad Autosomal Dominant, Autosomal Recessive and X-Linked Classification Criteria (2023). Collection method: clinical testing. Allele origin: unknown.
Comment: This variant is considered benign. This variant is a silent/synonymous amino acid change and it is not expected to impact splicing.

Labcorp Genetics (formerly Invitae), Labcorp
Classification: Likely benign for Ataxia-telangiectasia syndrome. Last evaluated: 2024-02-13. Review status: criteria provided, single submitter. Criteria: Invitae Variant Classification Sherloc (09022015). Collection method: clinical testing. Allele origin: germline.

Women's Health and Genetics/Laboratory Corporation of America, LabCorp
Classification: Likely benign. Last evaluated: 2023-11-03. Review status: criteria provided, single submitter. Criteria: LabCorp Variant Classification Summary - May 2015. Collection method: clinical testing. Allele origin: germline.

Color Diagnostics, LLC DBA Color Health
Classification: Likely benign for Hereditary cancer-predisposing syndrome. Last evaluated: 2018-01-25. Review status: criteria provided, single submitter. Criteria: ACMG Guidelines, 2015. Collection method: clinical testing. Allele origin: germline.

Ambry Genetics
Classification: Likely benign for Hereditary cancer-predisposing syndrome. Last evaluated: 2015-11-28. Review status: criteria provided, single submitter. Criteria: Ambry Variant Classification Scheme 2023. Collection method: clinical testing. Allele origin: germline.

NM_000051.4(ATM):c.6378A>G (p.Glu2126=)

Genes: ATM (ATM serine/threonine kinase; plus strand), C11orf65 (chromosome 11 open reading frame 65; minus strand). Cytogenetic location: 11q22.3.
Variant type: single nucleotide variant.
Coding change: c.6378A>G on transcript NM_000051.4 (MANE Select); coding-DNA position 6378, A replaced by G.
Protein change: p.Glu2126=; no amino-acid change (glutamic acid 2126 retained).
Molecular consequence: synonymous variant. On other transcripts: intron variant (2).
Genome position (GRCh38, 1-based): chr11:108,319,984, A>G. VCF-style: chr11-108319984-A-G. GRCh37 (hg19) VCF-style: chr11-108190711-A-G.
Other names: c.6378A>G, p.Glu2126= (NM_001351834.2); c.641-10913T>C (NM_001330368.2); c.*39-10913T>C (NM_001351110.2).
Identifiers: ClinVar variation 414587 (VCV000414587.19), dbSNP rs1060504297, ClinGen allele CA16613470.